The following is an entry in ClinVar:

NM_001292063.2(OTOG):c.4834C>T (p.Arg1612Cys)

Gene: OTOG (otogelin; plus strand). Cytogenetic location: 11p15.1.
Variant type: single nucleotide variant.
Coding change: c.4834C>T on transcript NM_001292063.2 (MANE Select); coding-DNA position 4834, C replaced by T.
Protein change: p.Arg1612Cys; replaces arginine 1612 with cysteine.
Molecular consequence: missense variant.
Genome position (GRCh38, 1-based): chr11:17,610,134, C>T. VCF-style: chr11-17610134-C-T. GRCh37 (hg19) VCF-style: chr11-17631681-C-T.
Other names: c.4870C>T, p.Arg1624Cys (NM_001277269.2); short protein forms R1612C, R1624C.
Identifiers: ClinVar variation 1416969 (VCV001416969.8), dbSNP rs546247260, ClinGen allele CA218475669.

ClinVar aggregate classification (germline): Uncertain significance (1 of 4 stars; one submission).

gnomAD v4.1: 66 of 1,550,508 alleles (0.0043%); highest among the groups gnomAD compares: Non-Finnish European, 0.0051%; no homozygotes.

Submission:

Labcorp Genetics (formerly Invitae), Labcorp
Classification: Uncertain significance. Last evaluated: 2023-09-09. Review status: criteria provided, single submitter. Criteria: Invitae Variant Classification Sherloc (09022015). Collection method: clinical testing. Allele origin: germline.
Comment: In summary, the available evidence is currently insufficient to determine the role of this variant in disease. Therefore, it has been classified as a Variant of Uncertain Significance. An algorithm developed to predict the effect of missense changes on protein structure and function (PolyPhen-2) suggests that this variant is likely to be disruptive. ClinVar contains an entry for this variant (Variation ID: 1416969). This variant has not been reported in the literature in individuals affected with OTOG-related conditions. This variant is present in population databases (no rsID available, gnomAD 0.004%). This sequence change replaces arginine, which is basic and polar, with cysteine, which is neutral and slightly polar, at codon 1624 of the OTOG protein (p.Arg1624Cys).